The following is an entry in ClinVar:

NM_005462.5(MAGEC1):c.1071T>C (p.Ser357=)

Gene: MAGEC1 (MAGE family member C1; plus strand). Cytogenetic location: Xq27.2.
Variant type: single nucleotide variant.
Coding change: c.1071T>C on transcript NM_005462.5 (MANE Select); coding-DNA position 1071, T replaced by C.
Protein change: p.Ser357=; no amino-acid change (serine 357 retained).
Molecular consequence: synonymous variant.
Genome position (GRCh38, 1-based): chrX:141,906,475, T>C. VCF-style: chrX-141906475-T-C. GRCh37 (hg19) VCF-style: chrX-140994261-T-C.
Identifiers: ClinVar variation 2661566 (VCV002661566.24), dbSNP rs58302943, ClinGen allele CA10533524.

ClinVar aggregate classification (germline): Likely benign (1 of 4 stars; one submission).

Allele frequency attached by ClinVar (database versions not stated): gnomAD exomes 0.00028; gnomAD 0.00073.

Submission:

CeGaT Center for Human Genetics Tuebingen
Classification: Likely benign. Last evaluated: 2024-01-01. Review status: criteria provided, single submitter. Criteria: CeGaT Center For Human Genetics Tuebingen Variant Classification Criteria Version 2. Collection method: clinical testing. Allele origin: germline. Affected: yes. Observed: 2 variant alleles.
Comment: MAGEC1: BP4, BS2